The following is an entry in ClinVar:

ClinVar aggregate classification (oncogenicity): Likely oncogenic (0 of 4 stars; one submission).

Conditions:
Lynch syndrome. Identifiers: Orphanet 144, MedGen C4552100, MONDO:0005835. Disease mechanism: loss of function.

Submission:

CHARM Consortium
Classification: Likely oncogenic for Lynch syndrome. Last evaluated: 2025-05-20. Review status: no assertion criteria provided. Collection method: clinical testing. Allele origin: somatic. Affected: yes.
Comment: Analysis identified a somatic mutation in a microsatellite region within the NF1 gene (c.2160del; p.Cys721Valfs*27), at a peak variant allele fraction of 5%, with a second somatic CDH1 mutation (c.1843A>C; p.Ile615Leufs*16) at a variant allele fraction of 1%.

NM_004360.5(CDH1):c.1843A>C (p.Ile615Leu)

Gene: CDH1 (cadherin 1; plus strand). Cytogenetic location: 16q22.1.
Variant type: single nucleotide variant.
Coding change: c.1843A>C on transcript NM_004360.5 (MANE Select); coding-DNA position 1843, A replaced by C.
Protein change: p.Ile615Leu; replaces isoleucine 615 with leucine.
Molecular consequence: missense variant. On other transcripts: 5 prime UTR variant (1).
Genome position (GRCh38, 1-based): chr16:68,822,132, A>C. VCF-style: chr16-68822132-A-C. GRCh37 (hg19) VCF-style: chr16-68856035-A-C.
Other names: c.1660A>C, p.Ile554Leu (NM_001317184.2); c.295A>C, p.Ile99Leu (NM_001317185.2); c.-123A>C (NM_001317186.2); short protein forms I554L, I615L, I99L.
Identifiers: ClinVar variation 4539020 (VCV004539020.1).